The following is an entry in ClinVar:

NM_015202.5(KATNIP):c.2531C>A (p.Pro844His)

Gene: KATNIP (katanin interacting protein; plus strand). Cytogenetic location: 16p12.1.
Variant type: single nucleotide variant.
Coding change: c.2531C>A on transcript NM_015202.5 (MANE Select); coding-DNA position 2531, C replaced by A.
Protein change: p.Pro844His; replaces proline 844 with histidine.
Molecular consequence: missense variant.
Genome position (GRCh38, 1-based): chr16:27,740,828, C>A. VCF-style: chr16-27740828-C-A. GRCh37 (hg19) VCF-style: chr16-27752149-C-A.
Other names: short protein forms P844H.
Identifiers: ClinVar variation 2416929 (VCV002416929.4), dbSNP rs947294331, ClinGen allele CA279757003.

ClinVar aggregate classification (germline): Uncertain significance (1 of 4 stars; one submission).

Allele frequency attached by ClinVar (database versions not stated): gnomAD exomes below 0.00001; gnomAD 0.00001; TOPMed 0.00001.
gnomAD v4.1: 6 of 1,613,694 alleles (0.00037%); highest among the groups gnomAD compares: Non-Finnish European, 0.00051%; no homozygotes.

Submission:

Labcorp Genetics (formerly Invitae), Labcorp
Classification: Uncertain significance. Last evaluated: 2022-10-13. Review status: criteria provided, single submitter. Criteria: Invitae Variant Classification Sherloc (09022015). Collection method: clinical testing. Allele origin: germline.
Comment: This sequence change replaces proline, which is neutral and non-polar, with histidine, which is basic and polar, at codon 844 of the KIAA0556 protein (p.Pro844His). This variant is not present in population databases (gnomAD no frequency). This variant has not been reported in the literature in individuals affected with KIAA0556-related conditions. Algorithms developed to predict the effect of missense changes on protein structure and function are either unavailable or do not agree on the potential impact of this missense change (SIFT: "Tolerated"; PolyPhen-2: "Possibly Damaging"; Align-GVGD: "Class C0"). In summary, the available evidence is currently insufficient to determine the role of this variant in disease. Therefore, it has been classified as a Variant of Uncertain Significance.